The following is an entry in ClinVar:

ClinVar aggregate classification (germline): Uncertain significance (1 of 4 stars; one submission).

Conditions:
Autoimmune lymphoproliferative syndrome, type III caused by mutation in PRKCD. Identifiers: Orphanet 3261, Orphanet 664711, MedGen C3809928, MONDO:8000024, OMIM 615559.

Allele frequency attached by ClinVar (database versions not stated): TOPMed 0.00014; 1000 Genomes Project 30x 0.00016; ExAC 0.00018; gnomAD 0.00018 and 0.00019; 1000 Genomes Project 0.00020; ESP Exome Variant Server 0.00038.
gnomAD v4.1: 413 of 1,611,602 alleles (0.026%); highest among the groups gnomAD compares: Non-Finnish European, 0.031%; no homozygotes.

Submission:

Labcorp Genetics (formerly Invitae), Labcorp
Classification: Uncertain significance for Autoimmune lymphoproliferative syndrome, type III caused by mutation in PRKCD. Last evaluated: 2026-01-28. Review status: criteria provided, single submitter. Criteria: Invitae Variant Classification Sherloc (09022015). Collection method: clinical testing. Allele origin: germline.
Comment: This sequence change falls in intron 14 of the PRKCD gene. It does not directly change the encoded amino acid sequence of the PRKCD protein. It affects a nucleotide within the consensus splice site. This variant is present in population databases (rs202155309, gnomAD 0.04%). This variant has not been reported in the literature in individuals affected with PRKCD-related conditions. ClinVar contains an entry for this variant (Variation ID: 576675). Variants that disrupt the consensus splice site are a relatively common cause of aberrant splicing (PMID: 17576681, 9536098). Algorithms developed to predict the effect of sequence changes on RNA splicing suggest that this variant may create or strengthen a splice site. In summary, the available evidence is currently insufficient to determine the role of this variant in disease. Therefore, it has been classified as a Variant of Uncertain Significance.

Literature cited by the submitters: PubMed 17576681; PubMed 9536098.

NM_006254.4(PRKCD):c.1352+4C>T

Gene: PRKCD (protein kinase C delta; plus strand). Cytogenetic location: 3p21.1.
Variant type: single nucleotide variant.
Coding change: c.1352+4C>T on transcript NM_006254.4 (MANE Select); 4 bases into the intron after coding-DNA position 1352, C replaced by T.
Molecular consequence: intron variant.
Genome position (GRCh38, 1-based): chr3:53,186,699, C>T. VCF-style: chr3-53186699-C-T. GRCh37 (hg19) VCF-style: chr3-53220715-C-T.
Other names: c.1352+4C>T (LRG_1327t1, NM_001354680.2, NM_001354679.2 and 2 more transcripts); c.1409+4C>T (NM_001354676.2); c.1400+4C>T (NM_001354678.2).
Identifiers: ClinVar variation 576675 (VCV000576675.6), dbSNP rs202155309, ClinGen allele CA2452148.
Genomic context (GRCh38, chr3:53,186,699, plus strand): 5'-GGGGGACCTGATGTACCACATCCAGGACAAAGGCCGCTTTGAACTCTACCGTGCCACGTA[C>T]GTAAGGGCCATGGTGGGGAAGGGCCCAGTGTGGAGGAAGGGCTACTGGCTCAGAGCCCAC-3'